The following is an entry in ClinVar:

NM_012073.5(CCT5):c.*593A>G

Gene: CCT5 (chaperonin containing TCP1 subunit 5; plus strand). Cytogenetic location: 5p15.2.
Variant type: single nucleotide variant.
Coding change: c.*593A>G on transcript NM_012073.5 (MANE Select); 593 bases downstream of the stop codon, A replaced by G.
Molecular consequence: 3 prime UTR variant.
Genome position (GRCh38, 1-based): chr5:10,265,376, A>G. VCF-style: chr5-10265376-A-G. GRCh37 (hg19) VCF-style: chr5-10265488-A-G.
Other names: c.*593A>G (NM_001306153.1, NM_001306154.2, NM_001306155.2 and 1 more transcripts).
Identifiers: ClinVar variation 350276 (VCV000350276.6), dbSNP rs2578640, ClinGen allele CA10622164.

ClinVar aggregate classification (germline): Benign. Review status: criteria provided, multiple submitters, no conflicts (2 of 4 stars). 2 submissions from 2 submitters: Benign (2). Last evaluated 2018-01-13.

Conditions:
Hereditary sensory and autonomic neuropathy with spastic paraplegia (HSNSP). Identifiers: Orphanet 139578, MedGen C1850395, MONDO:0009748, OMIM 256840.

Allele frequency attached by ClinVar (database versions not stated): 1000 Genomes Project 30x 0.67630; 1000 Genomes Project 0.68610; TOPMed 0.72693; gnomAD 0.74295; gnomAD exomes 0.82077.
gnomAD v4.1: 116,099 of 156,688 alleles (74%); highest among the groups gnomAD compares: East Asian, 87%; 45,241 homozygotes.

Submissions (2):

Illumina Laboratory Services, Illumina
Classification: Benign for Hereditary sensory and autonomic neuropathy with spastic paraplegia. Last evaluated: 2018-01-13. Review status: criteria provided, single submitter. Criteria: ICSL Variant Classification Criteria 13 December 2019. Collection method: clinical testing. Allele origin: germline.
Comment: This variant was observed in the ICSL laboratory as part of a predisposition screen in an ostensibly healthy population. It had not been previously curated by ICSL or reported in the Human Gene Mutation Database (HGMD: prior to June 1st, 2018), and was therefore a candidate for classification through an automated scoring system. Utilizing variant allele frequency, disease prevalence and penetrance estimates, and inheritance mode, an automated score was calculated to assess if this variant is too frequent to cause the disease. Based on the score and internal cut-off values, a variant classified as benign is not then subjected to further curation. The score for this variant resulted in a classification of benign for this disease.

Breakthrough Genomics
Classification: Benign. Review status: criteria provided, single submitter. Criteria: ACMG Guidelines, 2015. Collection method: not provided. Allele origin: germline. Inheritance: Autosomal recessive inheritance. Affected: yes.